The following is an entry in ClinVar:

NM_005477.3(HCN4):c.463C>T (p.Pro155Ser)

Gene: HCN4 (hyperpolarization activated cyclic nucleotide gated potassium channel 4; minus strand). Cytogenetic location: 15q24.1.
Variant type: single nucleotide variant.
Coding change: c.463C>T on transcript NM_005477.3 (MANE Select); coding-DNA position 463, C replaced by T.
Protein change: p.Pro155Ser; replaces proline 155 with serine.
Molecular consequence: missense variant.
Genome position (GRCh38, 1-based): chr15:73,367,808, G>A on the plus strand (C>T on the coding strand, the complement: HCN4 is on the minus strand). VCF-style: chr15-73367808-G-A. GRCh37 (hg19) VCF-style: chr15-73660149-G-A.
Other names: short protein forms P155S.
Identifiers: ClinVar variation 3524248 (VCV003524248.1).

ClinVar aggregate classification (germline): Uncertain significance (1 of 4 stars; one submission).

Conditions:
Cardiovascular phenotype. Identifiers: MedGen CN230736.

gnomAD v4.1: 2 of 1,244,712 alleles (0.00016%); highest among the groups gnomAD compares: East Asian, 0.0033%; no homozygotes.

Submission:

Ambry Genetics
Classification: Uncertain significance for Cardiovascular phenotype. Last evaluated: 2024-10-22. Review status: criteria provided, single submitter. Criteria: Ambry Variant Classification Scheme 2023. Collection method: clinical testing. Allele origin: germline.
Comment: The p.P155S variant (also known as c.463C>T), located in coding exon 1 of the HCN4 gene, results from a C to T substitution at nucleotide position 463. The proline at codon 155 is replaced by serine, an amino acid with similar properties. This amino acid position is conserved. In addition, this alteration is predicted to be tolerated by in silico analysis. Based on the available evidence, the clinical significance of this variant remains unclear.